The following is an entry in ClinVar:

ClinVar aggregate classification (germline): Likely pathogenic. Review status: criteria provided, multiple submitters, no conflicts (2 of 4 stars). 2 submissions from 2 submitters: Likely pathogenic (2). Last evaluated 2024-05-09.

Conditions:
Joubert syndrome 30. Identifiers: MedGen C4539937, MONDO:0033308, OMIM 617622.

gnomAD v4.1: 6 of 1,613,848 alleles (0.00037%); highest among the groups gnomAD compares: Middle Eastern, 0.016%; no homozygotes.

Submissions (2):

Labcorp Genetics (formerly Invitae), Labcorp
Classification: Likely pathogenic. Last evaluated: 2024-05-09. Review status: criteria provided, single submitter. Criteria: Invitae Variant Classification Sherloc (09022015). Collection method: clinical testing. Allele origin: germline.
Comment: This sequence change affects an acceptor splice site in intron 2 of the ARMC9 gene. It is expected to disrupt RNA splicing. Variants that disrupt the donor or acceptor splice site typically lead to a loss of protein function (PMID: 16199547), and loss-of-function variants in ARMC9 are known to be pathogenic (PMID: 28625504). This variant is present in population databases (no rsID available, gnomAD 0.003%). This variant has not been reported in the literature in individuals affected with ARMC9-related conditions. ClinVar contains an entry for this variant (Variation ID: 1323929). Algorithms developed to predict the effect of sequence changes on RNA splicing suggest that this variant may disrupt the consensus splice site. In summary, the currently available evidence indicates that the variant is pathogenic, but additional data are needed to prove that conclusively. Therefore, this variant has been classified as Likely Pathogenic.

Revvity Omics, Revvity
Classification: Likely pathogenic for Joubert syndrome 30. Last evaluated: 2021-11-07. Review status: criteria provided, single submitter. Criteria: ACMG Guidelines, 2015. Collection method: clinical testing. Allele origin: germline.

Literature cited by the submitters: PubMed 16199547 (cited by Labcorp Genetics (formerly Invitae), Labcorp); PubMed 28625504 (cited by Labcorp Genetics (formerly Invitae), Labcorp).

NM_001352754.2(ARMC9):c.178-2A>C

Gene: ARMC9 (armadillo repeat containing 9; plus strand). Cytogenetic location: 2q37.1.
Variant type: single nucleotide variant.
Coding change: c.178-2A>C on transcript NM_001352754.2 (MANE Select); the canonical splice acceptor site of the intron before coding-DNA position 178, A replaced by C.
Molecular consequence: splice acceptor variant.
Genome position (GRCh38, 1-based): chr2:231,214,829, A>C. VCF-style: chr2-231214829-A-C. GRCh37 (hg19) VCF-style: chr2-232079542-A-C.
Other names: c.178-2A>C (NM_001271466.4, NM_001352755.2, NM_001352756.2 and 5 more transcripts).
Identifiers: ClinVar variation 1323929 (VCV001323929.8), dbSNP rs1248147660, ClinGen allele CA350945801.
Genomic context (GRCh38, chr2:231,214,829, plus strand): 5'-TTGTGAGAATTTTGGGTGTTGAAATTTACAACGAGGTATGTAGTCTGATGTCTTCTCCAC[A>C]GAAGGATCTTGTCGCTGCATTTGACAACGGAGACCAGAAGGTGTTCTTCGATCTGTGGGA-3'